The following is an entry in ClinVar:

NM_000452.3(SLC10A2):c.301C>T (p.Leu101Phe)

Gene: SLC10A2 (solute carrier family 10 member 2; minus strand). Cytogenetic location: 13q33.1.
Variant type: single nucleotide variant.
Coding change: c.301C>T on transcript NM_000452.3 (MANE Select); coding-DNA position 301, C replaced by T.
Protein change: p.Leu101Phe; replaces leucine 101 with phenylalanine.
Molecular consequence: missense variant.
Genome position (GRCh38, 1-based): chr13:103,065,949, G>A on the plus strand (C>T on the coding strand, the complement: SLC10A2 is on the minus strand). VCF-style: chr13-103065949-G-A. GRCh37 (hg19) VCF-style: chr13-103718299-G-A.
Other names: c.301C>T (NM_000452.2); short protein forms L101F.
Identifiers: ClinVar variation 2867547 (VCV002867547.4), dbSNP rs945271994, ClinGen allele CA255216405.

ClinVar aggregate classification (germline): Uncertain significance. Review status: criteria provided, multiple submitters, no conflicts (2 of 4 stars). 2 submissions from 2 submitters: Uncertain significance (2). Last evaluated 2025-05-07.

Allele frequency attached by ClinVar (database versions not stated): gnomAD exomes 0.00001; gnomAD 0.00003; TOPMed 0.00003.
gnomAD v4.1: 14 of 1,614,034 alleles (0.00087%); highest among the groups gnomAD compares: African/African-American, 0.013%; no homozygotes.

Submissions (2):

Ambry Genetics
Classification: Uncertain significance. Last evaluated: 2025-05-07. Review status: criteria provided, single submitter. Criteria: Ambry Variant Classification Scheme 2023. Collection method: clinical testing. Allele origin: germline.

Labcorp Genetics (formerly Invitae), Labcorp
Classification: Uncertain significance. Last evaluated: 2023-09-04. Review status: criteria provided, single submitter. Criteria: Invitae Variant Classification Sherloc (09022015). Collection method: clinical testing. Allele origin: germline.
Comment: This variant is present in population databases (no rsID available, gnomAD 0.004%). In summary, the available evidence is currently insufficient to determine the role of this variant in disease. Therefore, it has been classified as a Variant of Uncertain Significance. Advanced modeling of protein sequence and biophysical properties (such as structural, functional, and spatial information, amino acid conservation, physicochemical variation, residue mobility, and thermodynamic stability) performed at Invitae indicates that this missense variant is not expected to disrupt SLC10A2 protein function. This variant has not been reported in the literature in individuals affected with SLC10A2-related conditions. This sequence change replaces leucine, which is neutral and non-polar, with phenylalanine, which is neutral and non-polar, at codon 101 of the SLC10A2 protein (p.Leu101Phe).